The following is an entry in ClinVar:

ClinVar aggregate classification (germline): Conflicting classifications of pathogenicity. Review status: criteria provided, conflicting classifications (1 of 4 stars). 3 submissions from 3 submitters: Uncertain significance (1); Likely benign (2). Last evaluated 2025-08-14.

Conditions:
Autosomal recessive polycystic kidney disease (ARPKD). Also called: AR polycystic kidney disease. Identifiers: Orphanet 731, Orphanet 8378, MedGen C0085548, MeSH D017044, MONDO:0009889.
PKHD1-related disorder. Also called: PKHD1-related condition.

Allele frequency attached by ClinVar (database versions not stated): gnomAD exomes below 0.00001 and 0.00002; gnomAD 0.00001; ExAC 0.00002; 1000 Genomes Project 30x 0.00016; 1000 Genomes Project 0.00020.
gnomAD v4.1: 9 of 1,612,408 alleles (0.00056%); highest among the groups gnomAD compares: East Asian, 0.018%; no homozygotes.

Submissions (3):

PreventionGenetics, part of Exact Sciences
Classification: Likely benign for PKHD1-related condition. Last evaluated: 2025-08-14. Review status: criteria provided, single submitter. Criteria: ACMG Guidelines, 2015. Collection method: clinical testing. Allele origin: germline.
Comment: This variant is classified as likely benign based on ACMG/AMP sequence variant interpretation guidelines (Richards et al. 2015 PMID: 25741868, with internal and published modifications).

Labcorp Genetics (formerly Invitae), Labcorp
Classification: Likely benign for Autosomal recessive polycystic kidney disease. Last evaluated: 2023-07-17. Review status: criteria provided, single submitter. Criteria: Invitae Variant Classification Sherloc (09022015). Collection method: clinical testing. Allele origin: germline.

Eurofins Ntd Llc (ga)
Classification: Uncertain significance. Last evaluated: 2017-09-19. Review status: criteria provided, single submitter. Criteria: EGL Classification Definitions 2015. Collection method: clinical testing. Allele origin: germline. Observed: 1 variant allele, 1 heterozygote.

NM_138694.4(PKHD1):c.7906C>T (p.Leu2636=)

Gene: PKHD1 (PKHD1 ciliary IPT domain containing fibrocystin/polyductin; minus strand). Cytogenetic location: 6p12.2.
Variant type: single nucleotide variant.
Coding change: c.7906C>T on transcript NM_138694.4 (MANE Select); coding-DNA position 7906, C replaced by T.
Protein change: p.Leu2636=; no amino-acid change (leucine 2636 retained).
Molecular consequence: synonymous variant.
Genome position (GRCh38, 1-based): chr6:51,855,898, G>A on the plus strand (C>T on the coding strand, the complement: PKHD1 is on the minus strand). VCF-style: chr6-51855898-G-A. GRCh37 (hg19) VCF-style: chr6-51720696-G-A.
Other names: c.7906C>T, p.Leu2636= (NM_170724.3); c.7906C>T (NM_138694.3).
Identifiers: ClinVar variation 594151 (VCV000594151.14), dbSNP rs568173041, ClinGen allele CA3851803.